The following is an entry in ClinVar:

ClinVar aggregate classification (germline): Uncertain significance. Review status: criteria provided, multiple submitters, no conflicts (2 of 4 stars). 4 submissions from 4 submitters: Uncertain significance (4). Last evaluated 2025-05-21.

Conditions:
Inborn genetic diseases. Identifiers: MedGen C0950123, MeSH D030342.
Congenital lipoid adrenal hyperplasia due to STAR deficency. Also called: Congenital Lipoid Adrenal Hyperplasia; ADRENAL HYPERPLASIA I; Lipoid adrenal hyperplasia; Cholesterol monooxygenase (side-chain cleaving) deficiency. Identifiers: Orphanet 418, Orphanet 90790, MedGen C0342474, MONDO:0008725, OMIM 201710.

Allele frequency attached by ClinVar (database versions not stated): ESP Exome Variant Server 0.00008; TOPMed 0.00012; ExAC 0.00017; gnomAD exomes 0.00017.
gnomAD v4.1: 258 of 1,613,986 alleles (0.016%); highest among the groups gnomAD compares: South Asian, 0.032%; no homozygotes.

Submissions (4):

Ambry Genetics
Classification: Uncertain significance for Inborn genetic diseases. Last evaluated: 2025-05-21. Review status: criteria provided, single submitter. Criteria: Ambry Variant Classification Scheme 2023. Collection method: clinical testing. Allele origin: germline.

Blueprint Genetics
Classification: Uncertain significance. Last evaluated: 2024-09-02. Review status: criteria provided, single submitter. Criteria: ACMG Guidelines, 2015. Collection method: clinical testing. Allele origin: germline.

Fulgent Genetics
Classification: Uncertain significance for Congenital lipoid adrenal hyperplasia due to STAR deficency. Last evaluated: 2024-03-20. Review status: criteria provided, single submitter. Criteria: ACMG Guidelines, 2015. Collection method: clinical testing. Allele origin: germline.

Labcorp Genetics (formerly Invitae), Labcorp
Classification: Uncertain significance. Last evaluated: 2022-06-13. Review status: criteria provided, single submitter. Criteria: Invitae Variant Classification Sherloc (09022015). Collection method: clinical testing. Allele origin: germline.
Comment: This sequence change replaces arginine, which is basic and polar, with tryptophan, which is neutral and slightly polar, at codon 62 of the STAR protein (p.Arg62Trp). The frequency data for this variant in the population databases is considered unreliable, as metrics indicate poor data quality at this position in the gnomAD database. This variant has not been reported in the literature in individuals affected with STAR-related conditions. Algorithms developed to predict the effect of missense changes on protein structure and function are either unavailable or do not agree on the potential impact of this missense change (SIFT: "Deleterious"; PolyPhen-2: "Possibly Damaging"; Align-GVGD: "Class C0"). In summary, the available evidence is currently insufficient to determine the role of this variant in disease. Therefore, it has been classified as a Variant of Uncertain Significance.

NM_000349.3(STAR):c.184C>T (p.Arg62Trp)

Gene: STAR (steroidogenic acute regulatory protein; minus strand). Cytogenetic location: 8p11.23.
Variant type: single nucleotide variant.
Coding change: c.184C>T on transcript NM_000349.3 (MANE Select); coding-DNA position 184, C replaced by T.
Protein change: p.Arg62Trp; replaces arginine 62 with tryptophan.
Molecular consequence: missense variant.
Genome position (GRCh38, 1-based): chr8:38,148,322, G>A on the plus strand (C>T on the coding strand, the complement: STAR is on the minus strand). VCF-style: chr8-38148322-G-A. GRCh37 (hg19) VCF-style: chr8-38005840-G-A.
Other names: c.184C>T (NM_000349.2); short protein forms R62W.
Identifiers: ClinVar variation 2081122 (VCV002081122.4), dbSNP rs200711979, ClinGen allele CA4715314.